The following is an entry in ClinVar:

ClinVar aggregate classification (germline): Uncertain significance (1 of 4 stars; one submission).

Conditions:
Myopathy, proximal, and ophthalmoplegia (CMYO6). Also called: MYOPATHY WITH CONGENITAL JOINT CONTRACTURES, OPHTHALMOPLEGIA, AND RIMMED VACUOLES; INCLUSION BODY MYOPATHY 3, AUTOSOMAL DOMINANT; CONGENITAL MYOPATHY 6 WITH OPHTHALMOPLEGIA. Identifiers: Orphanet 363677, Orphanet 79091, MedGen C1854106, MONDO:0011577, OMIM 605637.

Allele frequency attached by ClinVar (database versions not stated): gnomAD exomes below 0.00001; gnomAD 0.00001; TOPMed 0.00002.
gnomAD v4.1: 8 of 1,614,044 alleles (0.0005%); highest among the groups gnomAD compares: African/African-American, 0.0093%; no homozygotes.

Submission:

Labcorp Genetics (formerly Invitae), Labcorp
Classification: Uncertain significance for Myopathy, proximal, and ophthalmoplegia. Last evaluated: 2022-10-07. Review status: criteria provided, single submitter. Criteria: Invitae Variant Classification Sherloc (09022015). Collection method: clinical testing. Allele origin: germline.
Comment: In summary, the available evidence is currently insufficient to determine the role of this variant in disease. Therefore, it has been classified as a Variant of Uncertain Significance. Advanced modeling of protein sequence and biophysical properties (such as structural, functional, and spatial information, amino acid conservation, physicochemical variation, residue mobility, and thermodynamic stability) performed at Invitae indicates that this missense variant is not expected to disrupt MYH2 protein function. This variant has not been reported in the literature in individuals affected with MYH2-related conditions. This variant is present in population databases (no rsID available, gnomAD 0.01%). This sequence change replaces glutamic acid, which is acidic and polar, with aspartic acid, which is acidic and polar, at codon 1746 of the MYH2 protein (p.Glu1746Asp).

NM_017534.6(MYH2):c.5238G>C (p.Glu1746Asp)

Genes: MYH2 (myosin heavy chain 2; minus strand), MYHAS (myosin heavy chain gene cluster antisense RNA; plus strand). Cytogenetic location: 17p13.1.
Variant type: single nucleotide variant.
Coding change: c.5238G>C on transcript NM_017534.6 (MANE Select); coding-DNA position 5238, G replaced by C.
Protein change: p.Glu1746Asp; replaces glutamic acid 1746 with aspartic acid.
Molecular consequence: missense variant.
Genome position (GRCh38, 1-based): chr17:10,523,822, C>G on the plus strand (G>C on the coding strand, the complement: MYH2 is on the minus strand). VCF-style: chr17-10523822-C-G. GRCh37 (hg19) VCF-style: chr17-10427139-C-G.
Other names: c.5238G>C, p.Glu1746Asp (NM_001100112.2); short protein forms E1746D.
Identifiers: ClinVar variation 2145344 (VCV002145344.4), dbSNP rs1378281348, ClinGen allele CA398118042.